The following is an entry in ClinVar:

NM_001348768.2(HECW2):c.2951A>G (p.Gln984Arg)

Gene: HECW2 (HECT, C2 and WW domain containing E3 ubiquitin protein ligase 2; minus strand). Cytogenetic location: 2q32.3.
Variant type: single nucleotide variant.
Coding change: c.2951A>G on transcript NM_001348768.2 (MANE Select); coding-DNA position 2951, A replaced by G.
Protein change: p.Gln984Arg; replaces glutamine 984 with arginine.
Molecular consequence: missense variant.
Genome position (GRCh38, 1-based): chr2:196,292,614, T>C on the plus strand (A>G on the coding strand, the complement: HECW2 is on the minus strand). VCF-style: chr2-196292614-T-C. GRCh37 (hg19) VCF-style: chr2-197157338-T-C.
Other names: c.1883A>G, p.Gln628Arg (NM_001304840.3); c.2951A>G, p.Gln984Arg (NM_020760.4); short protein forms Q628R, Q984R.
Identifiers: ClinVar variation 1312117 (VCV001312117.3), dbSNP rs756756913, ClinGen allele CA62761251.
Genomic context (GRCh38, chr2:196,292,614, plus strand): 5'-CCTCGTGTTACCTTGCCCTGGTGATCATGTTTCATTTCCCATCCCCGCGGCAGCTCTAGC[T>C]GTTTGTTCGCGAACATGTTGAGGAATCCCACAAGGTCGCGGTTATGCTGGTAGCGTTCAA-3'
Protein context (NP_001335697.1, residues 974-994): VGFLNMFANK[Gln984Arg]LELPRGWEMK

ClinVar aggregate classification (germline): Uncertain significance (1 of 4 stars; one submission).

Submission:

GeneDx
Classification: Uncertain significance. Last evaluated: 2025-08-26. Review status: criteria provided, single submitter. Criteria: GeneDx Variant Classification Process June 2021. Collection method: clinical testing. Allele origin: germline. Affected: yes.
Comment: Not observed at significant frequency in large population cohorts (gnomAD); In silico analysis suggests that this missense variant does not alter protein structure/function; Has not been previously published as pathogenic or benign to our knowledge